The following is an entry in ClinVar:

NM_000390.4(CHM):c.116+1G>A

Gene: CHM (CHM Rab escort protein; minus strand). Cytogenetic location: Xq21.2.
Variant type: single nucleotide variant.
Coding change: c.116+1G>A on transcript NM_000390.4 (MANE Select); the canonical splice donor site of the intron after coding-DNA position 116, G replaced by A.
Molecular consequence: splice donor variant.
Genome position (GRCh38, 1-based): chrX:86,027,490, C>T on the plus strand (G>A on the coding strand, the complement: CHM is on the minus strand). VCF-style: chrX-86027490-C-T. GRCh37 (hg19) VCF-style: chrX-85282494-C-T.
Other names: c.116+1G>A (NM_000390.3, NM_001145414.4); c.-325+1G>A (NM_001362519.1, NM_001362518.2); c.-329+1G>A (NM_001362517.1, NM_001320959.1).
Identifiers: ClinVar variation 189189 (VCV000189189.22), dbSNP rs786204761, ClinGen allele CA274479.

ClinVar aggregate classification (germline): Pathogenic/Likely pathogenic. Review status: criteria provided, multiple submitters, no conflicts (2 of 4 stars). 11 submissions from 11 submitters: Pathogenic (9); Likely pathogenic (1). 1 of the submissions does not count toward it. Last evaluated 2026-09-28.

Conditions:
CHM-related disorders.
CHM-related disorder. Also called: CHM-related condition.
Retinal dystrophy. Also called: Inherited retinal dystrophy. Identifiers: Orphanet 71862, MedGen C0854723, MeSH D058499, MONDO:0019118, HP:0000556.
Choroideremia. Also called: Chorioretinal scalloped atrophy. Identifiers: Orphanet 180, MedGen C0008525, MONDO:0010557, OMIM 303100, HP:0001139.
Retinal disorder. Also called: Retinopathy; Retinopathies; Retinal Diseases; Retinal disorders. Identifiers: MedGen C0035309, MONDO:0005283, HP:0000488.

Submissions (11):

Genetics Laboratory, Great Ormond Street Hospital NHS Foundation Trust, North Thames Genomic Laboratory Hub
Classification: Pathogenic for Retinal disorders. Last evaluated: 2026-09-28. Review status: criteria provided, single submitter. Criteria: ACGS Best Practice Guidelines for Variant Classification in Rare Disease 2024 v1.2. Collection method: clinical testing. Allele origin: germline. Affected: yes.
Comment: PS4_moderate, PVS1_very-strong, PS1_supporting

3billion
Classification: Pathogenic for Choroideremia. Last evaluated: 2026-01-21. Review status: criteria provided, single submitter. Criteria: ACMG Guidelines, 2015. Collection method: clinical testing. Allele origin: germline. Affected: yes.
Comment: The variant is not observed in the gnomAD v4.1.0 dataset. Predicted Consequence/Location: Canonical splice site: predicted to alter splicing and result in a loss or disruption of normal protein function. Multiple pathogenic loss-of-function variants are reported downstream of the variant. In silico tools predict the variant to alter splicing and produce an abnormal transcript [SpliceAI: 0.99 (spliceogenicity >=0.2, non-spliceogenicity <0.1)]. The variant has been reported at least twice as pathogenic with clinical assertions and evidence for the classification (ClinVar ID: VCV000189189 /PMID: 10447648). Therefore, this variant is classified as Pathogenic according to the recommendation of ACMG/AMP guideline.

Labcorp Genetics (formerly Invitae), Labcorp
Classification: Pathogenic. Last evaluated: 2025-12-15. Review status: criteria provided, single submitter. Criteria: Invitae Variant Classification Sherloc (09022015). Collection method: clinical testing. Allele origin: germline.
Comment: This sequence change affects a donor splice site in intron 2 of the CHM gene. It is expected to disrupt RNA splicing. Variants that disrupt the donor or acceptor splice site typically lead to a loss of protein function (PMID: 16199547), and loss-of-function variants in CHM are known to be pathogenic (PMID: 9067750, 23811034). This variant is not present in population databases (gnomAD no frequency). Disruption of this splice site has been observed in individuals with clinical features of choroideremia (PMID: 10447648, 12827496, 27247961). This variant is also known as 146+1G>A. ClinVar contains an entry for this variant (Variation ID: 189189). Algorithms developed to predict the effect of sequence changes on RNA splicing suggest that this variant may disrupt the consensus splice site. For these reasons, this variant has been classified as Pathogenic.

GeneDx
Classification: Pathogenic. Last evaluated: 2025-11-04. Review status: criteria provided, single submitter. Criteria: GeneDx Variant Classification Process June 2021. Collection method: clinical testing. Allele origin: germline. Affected: yes.
Comment: Canonical splice site variant predicted to result in a null allele in a gene for which loss of function is a known mechanism of disease; Not observed at significant frequency in large population cohorts (gnomAD); This variant is associated with the following publications: (PMID: 31922496, 25525159, 27596865, 10447648, 37734845, 38219857)

North West Genomic Laboratory Hub, Manchester University NHS Foundation Trust
Classification: Pathogenic for Choroideremia. Last evaluated: 2025-02-05. Review status: criteria provided, single submitter. Criteria: ACGS Best Practice Guidelines for Variant Classification in Rare Disease 2024. Collection method: clinical testing. Allele origin: germline. Affected: yes.
Comment: PVS1_VStr PS1_Supp PM2_Mod PS4_Mod

PreventionGenetics, part of Exact Sciences
Classification: Pathogenic for CHM-related condition. Last evaluated: 2024-10-21. Review status: criteria provided, single submitter. Criteria: ACMG Guidelines, 2015. Collection method: clinical testing. Allele origin: germline.
Comment: The CHM c.116+1G>A variant is predicted to disrupt the GT donor site and interfere with normal splicing. This variant has been reported in the hemizygous and heterozygous states in multiple individuals with CHM-related conditions (for example, see Zhang et al. 2016. PubMed ID: 27596865; Supplementary Table 1, Weisschuh et al. 2024. PubMed ID: 37734845; Table S1, Lin et al. 2024. PubMed ID: 38219857; also known as c.146+1 G>A in Fujiki et al. 1999. PubMed ID: 10447648). This variant has not been reported in a large population database (gnomAD), indicating this variant is rare. Variants that disrupt the consensus splice donor site in CHM are expected to be pathogenic. This variant is interpreted as pathogenic.

Blueprint Genetics
Classification: Pathogenic for CHM-related disorders. Last evaluated: 2024-07-02. Review status: criteria provided, single submitter. Criteria: ACMG Guidelines, 2015. Collection method: clinical testing. Allele origin: germline. Affected: yes. Observed: 5 variant alleles.

Clinical Genetics Laboratory, Skane University Hospital Lund
Classification: Pathogenic. Last evaluated: 2022-07-13. Review status: criteria provided, single submitter. Criteria: ACMG Guidelines, 2015. Collection method: clinical testing. Allele origin: germline. Affected: yes.

Institute of Medical Genetics and Applied Genomics, University Hospital Tübingen
Classification: Likely pathogenic. Last evaluated: 2020-10-23. Review status: criteria provided, single submitter. Criteria: ACMG Guidelines, 2015. Collection method: clinical testing. Allele origin: germline. Inheritance: X-linked dominant inheritance. Affected: yes.

Institute of Human Genetics, Univ. Regensburg, Univ. Regensburg
Classification: Pathogenic for Retinal dystrophy. Last evaluated: 2009-01-01. Review status: criteria provided, single submitter. Criteria: ACMG Guidelines, 2015. Collection method: clinical testing. Allele origin: germline. Affected: yes.

Counsyl
Classification: Likely pathogenic for Choroideremia. Last evaluated: 2015-02-21. Review status: no assertion criteria provided. Collection method: literature only. Allele origin: unknown. Inheritance: X-linked inheritance. Not counted in ClinVar's aggregate classification.

Literature cited by the submitters: PubMed 10447648 (cited by 4 submitters); PubMed 16199547 (cited by Labcorp Genetics (formerly Invitae), Labcorp); PubMed 9067750 (cited by Labcorp Genetics (formerly Invitae), Labcorp); PubMed 23811034 (cited by Labcorp Genetics (formerly Invitae), Labcorp); PubMed 12827496 (cited by Labcorp Genetics (formerly Invitae), Labcorp and Counsyl); PubMed 27247961 (cited by Labcorp Genetics (formerly Invitae), Labcorp); PubMed 25525159 (cited by Institute of Human Genetics, Univ. Regensburg, Univ. Regensburg); PubMed 27596865 (cited by Institute of Human Genetics, Univ. Regensburg, Univ. Regensburg); PubMed 31922496 (cited by Institute of Human Genetics, Univ. Regensburg, Univ. Regensburg); PubMed 16936131 (cited by Counsyl); PubMed 12203991 (cited by Counsyl).